The following is an entry in ClinVar:

NM_173076.3(ABCA12):c.3977-4C>T

Gene: ABCA12 (ATP binding cassette subfamily A member 12; minus strand). Cytogenetic location: 2q35.
Variant type: single nucleotide variant.
Coding change: c.3977-4C>T on transcript NM_173076.3 (MANE Select); 4 bases into the intron before coding-DNA position 3977, C replaced by T.
Molecular consequence: intron variant.
Genome position (GRCh38, 1-based): chr2:214,986,732, G>A on the plus strand (C>T on the coding strand, the complement: ABCA12 is on the minus strand). VCF-style: chr2-214986732-G-A. GRCh37 (hg19) VCF-style: chr2-215851456-G-A.
Other names: c.3023-4C>T (NM_015657.4).
Identifiers: ClinVar variation 507884 (VCV000507884.4), dbSNP rs140122864, ClinGen allele CA2091567.

ClinVar aggregate classification (germline): Benign/Likely benign. Review status: criteria provided, multiple submitters, no conflicts (2 of 4 stars). 2 submissions from 2 submitters: Benign (1); Likely benign (1). Last evaluated 2026-01-25.

Allele frequency attached by ClinVar (database versions not stated): gnomAD 0.00003 and 0.00009; gnomAD exomes 0.00005 and 0.00018; TOPMed 0.00011; ExAC 0.00020; 1000 Genomes Project 30x 0.00125; 1000 Genomes Project 0.00140.

Submissions (2):

Labcorp Genetics (formerly Invitae), Labcorp
Classification: Benign. Last evaluated: 2026-01-25. Review status: criteria provided, single submitter. Criteria: Invitae Variant Classification Sherloc (09022015). Collection method: clinical testing. Allele origin: germline.

GeneDx
Classification: Likely benign. Last evaluated: 2017-03-09. Review status: criteria provided, single submitter. Criteria: GeneDx Variant Classification (06012015). Collection method: clinical testing. Allele origin: germline. Affected: yes.
Comment: This variant is considered likely benign or benign based on one or more of the following criteria: it is a conservative change, it occurs at a poorly conserved position in the protein, it is predicted to be benign by multiple in silico algorithms, and/or has population frequency not consistent with disease.